The following is an entry in ClinVar:

ClinVar aggregate classification (germline): Uncertain significance (1 of 4 stars; one submission).

Submission:

Labcorp Genetics (formerly Invitae), Labcorp
Classification: Uncertain significance. Last evaluated: 2023-06-30. Review status: criteria provided, single submitter. Criteria: Invitae Variant Classification Sherloc (09022015). Collection method: clinical testing. Allele origin: germline.
Comment: Variants that disrupt the consensus splice site are a relatively common cause of aberrant splicing (PMID: 17576681, 9536098). Algorithms developed to predict the effect of sequence changes on RNA splicing suggest that this variant is not likely to affect RNA splicing. In summary, the available evidence is currently insufficient to determine the role of this variant in disease. Therefore, it has been classified as a Variant of Uncertain Significance. This variant has not been reported in the literature in individuals affected with ACTN1-related conditions. This variant is not present in population databases (gnomAD no frequency). This sequence change falls in intron 2 of the ACTN1 gene. It does not directly change the encoded amino acid sequence of the ACTN1 protein. It affects a nucleotide within the consensus splice site.

Literature cited by the submitters: PubMed 17576681; PubMed 9536098.

NM_001130004.2(ACTN1):c.220+3del

Gene: ACTN1 (actinin alpha 1; minus strand). Cytogenetic location: 14q24.1.
Variant type: Deletion.
Coding change: c.220+3del on transcript NM_001130004.2 (MANE Select); 3 bases into the intron after coding-DNA position 220, one base deleted (G; older notation c.220+3delG).
Molecular consequence: intron variant.
Genome position (GRCh38, 1-based): chr14:68,925,555, C deleted on the plus strand (G on the coding strand, the reverse complement: ACTN1 is on the minus strand). VCF-style (leftmost placement, unchanged base first): chr14-68925554-TC-T. GRCh37 (hg19) VCF-style: chr14-69392271-TC-T.
Other names: c.220+3del (NM_001424029.1, NM_001424027.1, NM_001424025.1 and 10 more transcripts); c.-691+3del (NM_001424030.1); c.157+3del (NM_001424022.1, NM_001424020.1, NM_001424018.1); c.25+3del (NM_001424026.1, NM_001424028.1, NM_001411036.1); c.151+3del (NM_001424021.1); c.217+3del (NM_001424017.1); c.307+3del (NM_001424015.1).
Identifiers: ClinVar variation 2871526 (VCV002871526.3), dbSNP rs2504230407, ClinGen allele CA2739279643.